The following is an entry in ClinVar:

NM_005120.3(MED12):c.6210G>A (p.Gln2070=)

Gene: MED12 (mediator complex subunit 12; plus strand). Cytogenetic location: Xq13.1.
Variant type: single nucleotide variant.
Coding change: c.6210G>A on transcript NM_005120.3 (MANE Select); coding-DNA position 6210, G replaced by A.
Protein change: p.Gln2070=; no amino-acid change (glutamine 2070 retained).
Molecular consequence: synonymous variant.
Genome position (GRCh38, 1-based): chrX:71,140,800, G>A. VCF-style: chrX-71140800-G-A. GRCh37 (hg19) VCF-style: chrX-70360650-G-A.
Identifiers: ClinVar variation 1195478 (VCV001195478.11), dbSNP rs1229904793, ClinGen allele CA516728122.

ClinVar aggregate classification (germline): Likely benign. Review status: criteria provided, multiple submitters, no conflicts (2 of 4 stars). 3 submissions from 3 submitters: Likely benign (3). Last evaluated 2026-01-04.

Conditions:
FG syndrome (FGS). Identifiers: MedGen C0220769, MONDO:0002010.

Allele frequency attached by ClinVar (database versions not stated): gnomAD exomes 0.00001.

Submissions (3):

Labcorp Genetics (formerly Invitae), Labcorp
Classification: Likely benign for FG syndrome. Last evaluated: 2026-01-04. Review status: criteria provided, single submitter. Criteria: Invitae Variant Classification Sherloc (09022015). Collection method: clinical testing. Allele origin: germline.

CeGaT Center for Human Genetics Tuebingen
Classification: Likely benign. Last evaluated: 2026-01-01. Review status: criteria provided, single submitter. Criteria: CeGaT Center For Human Genetics Tuebingen Variant Classification Criteria Version 2. Collection method: clinical testing. Allele origin: germline. Affected: yes. Observed: 1 variant allele.
Comment: MED12: BP4, BP7

GeneDx
Classification: Likely benign. Last evaluated: 2020-06-29. Review status: criteria provided, single submitter. Criteria: GeneDx Variant Classification Process June 2021. Collection method: clinical testing. Allele origin: germline. Affected: yes.